The following is an entry in ClinVar:

ClinVar aggregate classification (germline): Likely benign (1 of 4 stars; one submission).

Allele frequency attached by ClinVar (database versions not stated): 1000 Genomes Project 0.00319; ESP Exome Variant Server 0.00392; 1000 Genomes Project 30x 0.00437; gnomAD 0.00516; ExAC 0.00545.
gnomAD v4.1: 8,271 of 1,613,298 alleles (0.51%); highest among the groups gnomAD compares: Non-Finnish European, 0.55%; 48 homozygotes.

Submission:

CeGaT Center for Human Genetics Tuebingen
Classification: Likely benign. Last evaluated: 2024-01-01. Review status: criteria provided, single submitter. Criteria: CeGaT Center For Human Genetics Tuebingen Variant Classification Criteria Version 2. Collection method: clinical testing. Allele origin: germline. Affected: yes. Observed: 1 variant allele.
Comment: CYP2B6: BP4, BS2

NM_000767.5(CYP2B6):c.1153-6C>T

Gene: CYP2B6 (cytochrome P450 family 2 subfamily B member 6; plus strand). Cytogenetic location: 19q13.2.
Variant type: single nucleotide variant.
Coding change: c.1153-6C>T on transcript NM_000767.5 (MANE Select); 6 bases into the intron before coding-DNA position 1153, C replaced by T.
Molecular consequence: intron variant.
Genome position (GRCh38, 1-based): chr19:41,012,668, C>T. VCF-style: chr19-41012668-C-T. GRCh37 (hg19) VCF-style: chr19-41518573-C-T.
Identifiers: ClinVar variation 3024890 (VCV003024890.22), dbSNP rs35449271, ClinGen allele CA9455521.